The following is an entry in ClinVar:

NM_000487.6(ARSA):c.967C>T (p.His323Tyr)

Gene: ARSA (arylsulfatase A; minus strand). Cytogenetic location: 22q13.33.
Variant type: single nucleotide variant.
Coding change: c.967C>T on transcript NM_000487.6 (MANE Select); coding-DNA position 967, C replaced by T.
Protein change: p.His323Tyr; replaces histidine 323 with tyrosine.
Molecular consequence: missense variant.
Genome position (GRCh38, 1-based): chr22:50,626,166, G>A on the plus strand (C>T on the coding strand, the complement: ARSA is on the minus strand). VCF-style: chr22-50626166-G-A. GRCh37 (hg19) VCF-style: chr22-51064594-G-A.
Other names: c.967C>T, p.His323Tyr (NM_001085425.3, NM_001085426.3, NM_001085427.3); c.709C>T, p.His237Tyr (NM_001085428.3, NM_001362782.2); short protein forms H237Y, H323Y.
Identifiers: ClinVar variation 1430108 (VCV001430108.4), dbSNP rs920501988, ClinGen allele CA325531330.

ClinVar aggregate classification (germline): Uncertain significance. Review status: criteria provided, multiple submitters, no conflicts (2 of 4 stars). 2 submissions from 2 submitters: Uncertain significance (2). Last evaluated 2026-08-06.

Conditions:
Metachromatic leukodystrophy (MLD). Also called: ARSA DEFICIENCY; CEREBROSIDE SULFATASE DEFICIENCY; METACHROMATIC LEUKOENCEPHALOPATHY; SULFATIDE LIPIDOSIS; Cerebral sclerosis diffuse metachromatic form; Arylsulfatase A Deficiency. Identifiers: Orphanet 512, MedGen C0023522, MONDO:0018868, OMIM 250100.

Allele frequency attached by ClinVar (database versions not stated): gnomAD exomes below 0.00001.
gnomAD v4.1: 7 of 1,605,310 alleles (0.00044%); highest among the groups gnomAD compares: Admixed American, 0.0052%; no homozygotes.

Submissions (2):

OLLIN Analises Genomicas, OLLIN
Classification: Uncertain significance for Metachromatic leukodystrophy. Last evaluated: 2026-08-06. Review status: criteria provided, single submitter. Criteria: ACMG Guidelines 2015 PMID 25741868. Collection method: clinical testing. Allele origin: germline. Inheritance: Autosomal recessive inheritance.
Comment: This missense variant, located in exon 5 (of 8), has been reported in ClinVar (accession VCV001430108.3) and in gnomAD with an allele frequency of 0.00044%. However, to our knowledge, it has not been reported in the scientific literature. In silico analysis is inconclusive regarding the impact of this variant. This variant is located in a region considered to be a mutational hotspot. This gene is constrained for missense variation. According to the currently available evidence, this variant has been classified as uncertain significance (PM1, PM2_P, PP2).

Labcorp Genetics (formerly Invitae), Labcorp
Classification: Uncertain significance for Metachromatic leukodystrophy. Last evaluated: 2022-08-31. Review status: criteria provided, single submitter. Criteria: Invitae Variant Classification Sherloc (09022015). Collection method: clinical testing. Allele origin: germline.
Comment: This sequence change replaces histidine, which is basic and polar, with tyrosine, which is neutral and polar, at codon 323 of the ARSA protein (p.His323Tyr). This variant is not present in population databases (gnomAD no frequency). This variant has not been reported in the literature in individuals affected with ARSA-related conditions. ClinVar contains an entry for this variant (Variation ID: 1430108). Advanced modeling of protein sequence and biophysical properties (such as structural, functional, and spatial information, amino acid conservation, physicochemical variation, residue mobility, and thermodynamic stability) performed at Invitae indicates that this missense variant is expected to disrupt ARSA protein function. In summary, the available evidence is currently insufficient to determine the role of this variant in disease. Therefore, it has been classified as a Variant of Uncertain Significance.